The following is an entry in ClinVar:

NM_001009999.3(KDM1A):c.196C>A (p.Pro66Thr)

Gene: KDM1A (lysine demethylase 1A; plus strand). Cytogenetic location: 1p36.12.
Variant type: single nucleotide variant.
Coding change: c.196C>A on transcript NM_001009999.3 (MANE Select); coding-DNA position 196, C replaced by A.
Protein change: p.Pro66Thr; replaces proline 66 with threonine.
Molecular consequence: missense variant.
Genome position (GRCh38, 1-based): chr1:23,019,792, C>A. VCF-style: chr1-23019792-C-A. GRCh37 (hg19) VCF-style: chr1-23346285-C-A.
Other names: c.196C>A, p.Pro66Thr (NM_001363654.2, NM_001410762.1, NM_001410763.1 and 1 more transcripts); short protein forms P66T.
Identifiers: ClinVar variation 3863331 (VCV003863331.2).

ClinVar aggregate classification (germline): Uncertain significance. Review status: criteria provided, multiple submitters, no conflicts (2 of 4 stars). 2 submissions from 2 submitters: Uncertain significance (2). Last evaluated 2025-06-03.

Conditions:
Inborn genetic diseases. Identifiers: MedGen C0950123, MeSH D030342.

Submissions (2):

Labcorp Genetics (formerly Invitae), Labcorp
Classification: Uncertain significance. Last evaluated: 2025-06-03. Review status: criteria provided, single submitter. Criteria: Invitae Variant Classification Sherloc (09022015). Collection method: clinical testing. Allele origin: germline.
Comment: This sequence change replaces proline, which is neutral and non-polar, with threonine, which is neutral and polar, at codon 66 of the KDM1A protein (p.Pro66Thr). This variant is not present in population databases (gnomAD no frequency). This variant has not been reported in the literature in individuals affected with KDM1A-related conditions. ClinVar contains an entry for this variant (Variation ID: 3863331). An algorithm developed to predict the effect of missense changes on protein structure and function (PolyPhen-2) suggests that this variant is likely to be disruptive. In summary, the available evidence is currently insufficient to determine the role of this variant in disease. Therefore, it has been classified as a Variant of Uncertain Significance.

Ambry Genetics
Classification: Uncertain significance for Inborn genetic diseases. Last evaluated: 2025-02-16. Review status: criteria provided, single submitter. Criteria: Ambry Variant Classification Scheme 2023. Collection method: clinical testing. Allele origin: germline.
Comment: The p.P66T variant (also known as c.196C>A), located in coding exon 1 of the KDM1A gene, results from a C to A substitution at nucleotide position 196. The proline at codon 66 is replaced by threonine, an amino acid with highly similar properties. This amino acid position is conserved. In addition, this alteration is predicted to be tolerated by in silico analysis. Based on the available evidence, the clinical significance of this variant remains unclear.